The following is an entry in ClinVar:

NM_025216.3(WNT10A):c.311G>A (p.Arg104His)

Gene: WNT10A (Wnt family member 10A; plus strand). Cytogenetic location: 2q35.
Variant type: single nucleotide variant.
Coding change: c.311G>A on transcript NM_025216.3 (MANE Select); coding-DNA position 311, G replaced by A.
Protein change: p.Arg104His; replaces arginine 104 with histidine.
Molecular consequence: missense variant.
Genome position (GRCh38, 1-based): chr2:218,882,358, G>A. VCF-style: chr2-218882358-G-A. GRCh37 (hg19) VCF-style: chr2-219747080-G-A.
Other names: short protein forms R104H.
Identifiers: ClinVar variation 633837 (VCV000633837.19), dbSNP rs374910216, ClinGen allele CA2113876.

ClinVar aggregate classification (germline): Conflicting classifications of pathogenicity. Review status: criteria provided, conflicting classifications (1 of 4 stars). 7 submissions from 7 submitters: Pathogenic (2); Likely pathogenic (3); Uncertain significance (1). 1 of the submissions does not count toward it. Last evaluated 2025-09-25.

Conditions:
Tooth agenesis, selective, 4 (STHAG4). Also called: SUCCEDANEOUS TEETH, AGENESIS OF; TOOTH AGENESIS, SELECTIVE, 4, WITH OR WITHOUT ECTODERMAL DYSPLASIA; LATERAL INCISORS, ABSENCE OF; LATERAL INCISORS, PEGGED OR MISSING. Identifiers: Orphanet 99798, MedGen C1835492, MONDO:0007881, OMIM 150400. Disease mechanism: loss of function.
Odonto-onycho-dermal dysplasia. Identifiers: Orphanet 2721, MedGen C0796093, MONDO:0009773, OMIM 257980.
WNT10A-related disorder. Also called: WNT10A-related condition; WNT10A-related disorders.
Schöpf-Schulz-Passarge syndrome. Also called: SchC6pf-Schulz-Passarge syndrome; ECCRINE TUMORS WITH ECTODERMAL DYSPLASIA; KERATOSIS PALMOPLANTARIS WITH CYSTIC EYELIDS, HYPODONTIA, AND HYPOTRICHOSIS. Identifiers: Orphanet 50944, MedGen C1857069, MONDO:0009145, OMIM 224750.

Allele frequency attached by ClinVar (database versions not stated): ExAC 0.00002; gnomAD exomes 0.00002; TOPMed 0.00003.
gnomAD v4.1: 34 of 1,614,144 alleles (0.0021%); highest among the groups gnomAD compares: South Asian, 0.015%; no homozygotes.

Submissions (7):

Natera, Inc.
Classification: Likely pathogenic for Schopf-Schulz-Passarge syndrome. Last evaluated: 2025-09-25. Review status: criteria provided, single submitter. Criteria: Natera Variant Classification Schema (03/2026). Collection method: clinical testing. Allele origin: germline.
Comment: The c.311G>A variant in WNT10A is a missense variant predicted to cause substitution of arginine to histidine at amino acid 104. This variant is rare in the general population with a frequency below the threshold expected for the associated phenotype(s). This variant has been observed in one or more individuals affected with the associated recessive disease, as either homozygous or compound heterozygous with a second variant (PMID: 31652981, 27650966). A different variant at the same position has been determined to be Pathogenic or Likely Pathogenic. Computational prediction algorithms indicate this variant is likely to affect gene or protein function. Given the available evidence, this variant is classified as Likely Pathogenic.

Fulgent Genetics
Classification: Likely pathogenic for Tooth agenesis, selective, 4; Schöpf-Schulz-Passarge syndrome; Odonto-onycho-dermal dysplasia. Last evaluated: 2024-05-14. Review status: criteria provided, single submitter. Criteria: ACMG Guidelines, 2015. Collection method: clinical testing. Allele origin: germline.

Labcorp Genetics (formerly Invitae), Labcorp
Classification: Pathogenic for Tooth agenesis, selective, 4; Odonto-onycho-dermal dysplasia. Last evaluated: 2024-05-07. Review status: criteria provided, single submitter. Criteria: Invitae Variant Classification Sherloc (09022015). Collection method: clinical testing. Allele origin: germline.
Comment: This sequence change replaces arginine, which is basic and polar, with histidine, which is basic and polar, at codon 104 of the WNT10A protein (p.Arg104His). This variant is present in population databases (rs374910216, gnomAD 0.01%). This missense change has been observed in individual(s) with clinical features of tricho-odonto-onycho-dermal dysplasia (Invitae). In at least one individual the data is consistent with being in trans (on the opposite chromosome) from a pathogenic variant. ClinVar contains an entry for this variant (Variation ID: 633837). Advanced modeling of protein sequence and biophysical properties (such as structural, functional, and spatial information, amino acid conservation, physicochemical variation, residue mobility, and thermodynamic stability) performed at Invitae indicates that this missense variant is expected to disrupt WNT10A protein function with a positive predictive value of 80%. This variant disrupts the p.Arg104 amino acid residue in WNT10A. Other variant(s) that disrupt this residue have been determined to be pathogenic (PMID: 30974434; Invitae). This suggests that this residue is clinically significant, and that variants that disrupt this residue are likely to be disease-causing. For these reasons, this variant has been classified as Pathogenic.

Blueprint Genetics
Classification: Pathogenic for WNT10A-related disorders. Last evaluated: 2023-09-07. Review status: criteria provided, single submitter. Criteria: ACMG Guidelines, 2015. Collection method: clinical testing. Allele origin: germline. Affected: yes. Observed: 5 variant alleles.

GeneDx
Classification: Uncertain significance. Last evaluated: 2021-01-13. Review status: criteria provided, single submitter. Criteria: GeneDx Variant Classification Process June 2021. Collection method: clinical testing. Allele origin: germline. Affected: yes.
Comment: In silico analysis, which includes protein predictors and evolutionary conservation, supports a deleterious effect; This variant is associated with the following publications: (PMID: 31652981)

Revvity Omics, Revvity
Classification: Likely pathogenic. Last evaluated: 2020-12-08. Review status: criteria provided, single submitter. Criteria: ACMG Guidelines, 2015. Collection method: clinical testing. Allele origin: germline.

Institute of Human Genetics, University of Ulm
Classification: Pathogenic for Tooth agenesis, selective, 4. Last evaluated: 2018-04-11. Review status: no assertion criteria provided. Collection method: research. Allele origin: germline. Inheritance: Autosomal recessive inheritance. Affected: yes. Observed: 2 variant alleles, 2 homozygotes. Not counted in ClinVar's aggregate classification.

Literature cited by the submitters: PubMed 31652981 (cited by Natera, Inc.); PubMed 27650966 (cited by Natera, Inc.); PubMed 30974434 (cited by Labcorp Genetics (formerly Invitae), Labcorp).